The following is an entry in ClinVar:

ClinVar aggregate classification (germline): Likely benign. Review status: criteria provided, multiple submitters, no conflicts (2 of 4 stars). 2 submissions from 2 submitters: Likely benign (2). Last evaluated 2025-01-22.

Allele frequency attached by ClinVar (database versions not stated): gnomAD exomes below 0.00001; TOPMed 0.00002.

Submissions (2):

Labcorp Genetics (formerly Invitae), Labcorp
Classification: Likely benign. Last evaluated: 2025-01-22. Review status: criteria provided, single submitter. Criteria: Invitae Variant Classification Sherloc (09022015). Collection method: clinical testing. Allele origin: germline.

GeneDx
Classification: Likely benign. Last evaluated: 2017-06-22. Review status: criteria provided, single submitter. Criteria: GeneDx Variant Classification (06012015). Collection method: clinical testing. Allele origin: germline. Affected: yes.
Comment: This variant is considered likely benign or benign based on one or more of the following criteria: it is a conservative change, it occurs at a poorly conserved position in the protein, it is predicted to be benign by multiple in silico algorithms, and/or has population frequency not consistent with disease.

NM_015340.4(LARS2):c.363+13G>A

Gene: LARS2 (leucyl-tRNA synthetase 2, mitochondrial; plus strand). Cytogenetic location: 3p21.31.
Variant type: single nucleotide variant.
Coding change: c.363+13G>A on transcript NM_015340.4 (MANE Select); 13 bases into the intron after coding-DNA position 363, G replaced by A.
Molecular consequence: intron variant.
Genome position (GRCh38, 1-based): chr3:45,400,386, G>A. VCF-style: chr3-45400386-G-A. GRCh37 (hg19) VCF-style: chr3-45441878-G-A.
Other names: c.363+13G>A (NM_001368263.1).
Identifiers: ClinVar variation 518008 (VCV000518008.8), dbSNP rs944920117, ClinGen allele CA73680573.
Genomic context (GRCh38, chr3:45,400,386, plus strand): 5'-ACCATCAGCGACACCATAGCACGGTTCCAGAAGATGAGAGGGATGCAGGTAAGAACAGGT[G>A]CCTGCTGGAGCAGCCCTTGTCTGCCACACGCAGGGTTGGCATGTAGTAATATGTGTTCAA-3'